The following is an entry in ClinVar:

ClinVar aggregate classification (germline): Conflicting classifications of pathogenicity. Review status: criteria provided, conflicting classifications (1 of 4 stars). 2 submissions from 2 submitters: Uncertain significance (1); Likely benign (1). Last evaluated 2026-01-05.

Conditions:
Hereditary cancer-predisposing syndrome. Also called: Hereditary Cancer Syndrome; Hereditary neoplastic syndrome; Tumor predisposition; Neoplastic Syndromes, Hereditary. Identifiers: Orphanet 140162, MedGen C0027672, MeSH D009386, MONDO:0015356.
Familial cancer of breast. Also called: BREAST CANCER, FAMILIAL; Hereditary breast cancer; hereditary breast carcinoma. Identifiers: Orphanet 227535, MedGen C0346153, MONDO:0016419, OMIM 114480. Disease mechanism: loss of function.

Submissions (2):

Labcorp Genetics (formerly Invitae), Labcorp
Classification: Uncertain significance for Familial cancer of breast. Last evaluated: 2026-01-05. Review status: criteria provided, single submitter. Criteria: Invitae Variant Classification Sherloc (09022015). Collection method: clinical testing. Allele origin: germline.
Comment: This sequence change replaces glutamic acid, which is acidic and polar, with glutamine, which is neutral and polar, at codon 771 of the BARD1 protein (p.Glu771Gln). This variant is not present in population databases (gnomAD no frequency). This variant has not been reported in the literature in individuals affected with BARD1-related conditions. ClinVar contains an entry for this variant (Variation ID: 1789448). An algorithm developed to predict the effect of missense changes on protein structure and function outputs the following: PolyPhen-2: "Benign". The glutamine amino acid residue is found in multiple mammalian species, which suggests that this missense change does not adversely affect protein function. In summary, the available evidence is currently insufficient to determine the role of this variant in disease. Therefore, it has been classified as a Variant of Uncertain Significance.

Ambry Genetics
Classification: Likely benign for Hereditary cancer-predisposing syndrome. Last evaluated: 2024-02-26. Review status: criteria provided, single submitter. Criteria: Ambry Variant Classification Scheme 2023. Collection method: clinical testing. Allele origin: germline.

NM_000465.4(BARD1):c.2311G>C (p.Glu771Gln)

Gene: BARD1 (BRCA1 associated RING domain 1; minus strand). Cytogenetic location: 2q35.
Variant type: single nucleotide variant.
Coding change: c.2311G>C on transcript NM_000465.4 (MANE Select); coding-DNA position 2311, G replaced by C.
Protein change: p.Glu771Gln; replaces glutamic acid 771 with glutamine.
Molecular consequence: missense variant. On other transcripts: non-coding transcript variant (3).
Genome position (GRCh38, 1-based): chr2:214,728,699, C>G on the plus strand (G>C on the coding strand, the complement: BARD1 is on the minus strand). VCF-style: chr2-214728699-C-G. GRCh37 (hg19) VCF-style: chr2-215593423-C-G.
Other names: c.2254G>C, p.Glu752Gln (NM_001282543.2); c.958G>C, p.Glu320Gln (NM_001282545.2); c.901G>C, p.Glu301Gln (NM_001282548.2); c.772G>C, p.Glu258Gln (NM_001282549.2); short protein forms E752Q, E771Q, E301Q, E258Q, E320Q.
Identifiers: ClinVar variation 1789448 (VCV001789448.5), dbSNP rs868744803, ClinGen allele CA64792571.